The following is an entry in ClinVar:

ClinVar aggregate classification (germline): Uncertain significance (1 of 4 stars; one submission).

Submission:

Ambry Genetics
Classification: Uncertain significance. Last evaluated: 2023-02-20. Review status: criteria provided, single submitter. Criteria: Ambry Variant Classification Scheme 2023. Collection method: clinical testing. Allele origin: germline.
Comment: The p.S360T variant (also known as c.1078T>A), located in coding exon 11 of the PRKDC gene, results from a T to A substitution at nucleotide position 1078. The serine at codon 360 is replaced by threonine, an amino acid with similar properties. This amino acid position is conserved. In addition, this alteration is predicted to be tolerated by in silico analysis. Since supporting evidence is limited at this time, the clinical significance of this alteration remains unclear.

NM_006904.7(PRKDC):c.1078T>A (p.Ser360Thr)

Gene: PRKDC (protein kinase, DNA-activated, catalytic subunit; minus strand). Cytogenetic location: 8q11.21.
Variant type: single nucleotide variant.
Coding change: c.1078T>A on transcript NM_006904.7 (MANE Select); coding-DNA position 1078, T replaced by A.
Protein change: p.Ser360Thr; replaces serine 360 with threonine.
Molecular consequence: missense variant.
Genome position (GRCh38, 1-based): chr8:47,939,586, A>T on the plus strand (T>A on the coding strand, the complement: PRKDC is on the minus strand). VCF-style: chr8-47939586-A-T. GRCh37 (hg19) VCF-style: chr8-48852146-A-T.
Other names: c.1078T>A, p.Ser360Thr (NM_001081640.2); short protein forms S360T.
Identifiers: ClinVar variation 2497411 (VCV002497411.2), dbSNP rs2090407820, ClinGen allele CA371166616.
Genomic context (GRCh38, chr8:47,939,586, plus strand): 5'-AATAGAGTAAGTTAATGAGACATACTCCTGCAAAAAGTCCATATCCACGGATAGCAATAG[A>T]TAACTCCTTGTTGTTCGAATCCACATTTCTGATGATTCCATAAAACTGCTCCATAAAGTA-3'
Protein context (NP_008835.5, residues 350-370): RNVDSNNKEL[Ser360Thr]IAIRGYGLFA